The following is an entry in ClinVar:

NM_004370.6(COL12A1):c.74-15CT[3]

Gene: COL12A1 (collagen type XII alpha 1 chain; minus strand). Cytogenetic location: 6q13.
Variant type: Microsatellite.
Coding change: c.74-15CT[3] on transcript NM_004370.6 (MANE Select); three copies in a row of the 2-base unit CT starting at c.74-15; the reference has four copies in a row; one copy, 2 bases deleted.
Molecular consequence: intron variant.
Genome position (GRCh38, 1-based): chr6:75,194,955-75,194,956, AG deleted on the plus strand (CT on the coding strand, the reverse complement: COL12A1 is on the minus strand); deleting any 2 consecutive bases within chr6:75,194,955-75,194,962 gives the same sequence; the position shown is the placement nearest the transcript's 3' end. VCF-style (leftmost placement, unchanged base first): chr6-75194954-AAG-A. GRCh37 (hg19) VCF-style: chr6-75904670-AAG-A.
Other names: c.73+7758CT[3] (NM_080645.3).
Identifiers: ClinVar variation 1009475 (VCV001009475.10), dbSNP rs756206757, ClinGen allele CA3894523.

ClinVar aggregate classification (germline): Conflicting classifications of pathogenicity. Review status: criteria provided, conflicting classifications (1 of 4 stars). 2 submissions from 2 submitters: Uncertain significance (1); Likely benign (1). Last evaluated 2026-01-07.

Conditions:
Ullrich congenital muscular dystrophy 2 (UCMD2). Identifiers: Orphanet 75840, MedGen C4225314, MONDO:0014654, OMIM 616470.
Bethlem myopathy 2 (BTHLM2). Identifiers: Orphanet 536516, Orphanet 610, MedGen C4225313, MONDO:0034022, OMIM 616471.

Submissions (2):

Labcorp Genetics (formerly Invitae), Labcorp
Classification: Likely benign for Bethlem myopathy 2; Ullrich congenital muscular dystrophy 2. Last evaluated: 2026-01-07. Review status: criteria provided, single submitter. Criteria: Invitae Variant Classification Sherloc (09022015). Collection method: clinical testing. Allele origin: germline.

GeneDx
Classification: Uncertain significance. Last evaluated: 2024-02-28. Review status: criteria provided, single submitter. Criteria: GeneDx Variant Classification Process June 2021. Collection method: clinical testing. Allele origin: germline. Affected: yes.
Comment: Has not been previously published as pathogenic or benign to our knowledge; In silico analysis supports a deleterious effect on splicing; Not observed at significant frequency in large population cohorts (gnomAD)